The following is an entry in ClinVar:

ClinVar aggregate classification (germline): Uncertain significance (1 of 4 stars; one submission).

Conditions:
PLCE1-related disorder. Also called: PLCE1-related condition.

Submission:

PreventionGenetics, part of Exact Sciences
Classification: Uncertain significance for PLCE1-related condition. Last evaluated: 2026-03-20. Review status: criteria provided, single submitter. Criteria: ACMG Guidelines, 2015. Collection method: clinical testing. Allele origin: germline.
Comment: The PLCE1 c.3276G>A variant is predicted to result in the amino acid substitution p.Met1092Ile. To our knowledge, this variant has not been reported in the literature. This variant is reported in 0.0028% of alleles in individuals of Latino descent in gnomAD. At this time, the clinical significance of this variant is uncertain due to the absence of conclusive functional and genetic evidence.

NM_016341.4(PLCE1):c.3276G>A (p.Met1092Ile)

Gene: PLCE1 (phospholipase C epsilon 1; plus strand). Cytogenetic location: 10q23.33.
Variant type: single nucleotide variant.
Coding change: c.3276G>A on transcript NM_016341.4 (MANE Select); coding-DNA position 3276, G replaced by A.
Protein change: p.Met1092Ile; replaces methionine 1092 with isoleucine.
Molecular consequence: missense variant.
Genome position (GRCh38, 1-based): chr10:94,252,495, G>A. VCF-style: chr10-94252495-G-A. GRCh37 (hg19) VCF-style: chr10-96012252-G-A.
Other names: c.2352G>A, p.Met784Ile (NM_001165979.2); c.3276G>A, p.Met1092Ile (NM_001288989.2); short protein forms M1092I, M784I.
Identifiers: ClinVar variation 4983714 (VCV004983714.1).